The following is an entry in ClinVar:

ClinVar aggregate classification (germline): Likely benign (0 of 4 stars; one submission).

Conditions:
ASH1L-related disorder. Also called: ASH1L-related condition.

gnomAD v4.1: 13 of 1,585,806 alleles (0.00082%); highest among the groups gnomAD compares: Admixed American, 0.0035%; no homozygotes.

Submission:

PreventionGenetics, part of Exact Sciences
Classification: Likely benign for ASH1L-related condition. Last evaluated: 2022-03-01. Review status: no assertion criteria provided. Collection method: clinical testing. Allele origin: germline.
Comment: This variant is classified as likely benign based on ACMG/AMP sequence variant interpretation guidelines (Richards et al. 2015 PMID: 25741868, with internal and published modifications).

NM_018489.3(ASH1L):c.6103+9C>T

Gene: ASH1L (ASH1 like histone lysine methyltransferase; minus strand). Cytogenetic location: 1q22.
Variant type: single nucleotide variant.
Coding change: c.6103+9C>T on transcript NM_018489.3 (MANE Select); 9 bases into the intron after coding-DNA position 6103, C replaced by T.
Molecular consequence: intron variant.
Genome position (GRCh38, 1-based): chr1:155,395,450, G>A on the plus strand (C>T on the coding strand, the complement: ASH1L is on the minus strand). VCF-style: chr1-155395450-G-A. GRCh37 (hg19) VCF-style: chr1-155365241-G-A.
Other names: c.6103+9C>T (NM_001366177.2).
Identifiers: ClinVar variation 3061533 (VCV003061533.2), dbSNP rs772589123, ClinGen allele CA526425186.